The following is an entry in ClinVar:

ClinVar aggregate classification (germline): Uncertain significance (1 of 4 stars; one submission).

Conditions:
Noonan syndrome 8 (NS8). Identifiers: Orphanet 648, MedGen C3809233, MONDO:0014143, OMIM 615355.

Submission:

Labcorp Genetics (formerly Invitae), Labcorp
Classification: Uncertain significance for Noonan syndrome 8. Last evaluated: 2020-10-24. Review status: criteria provided, single submitter. Criteria: Invitae Variant Classification Sherloc (09022015). Collection method: clinical testing. Allele origin: germline.
Comment: This sequence change replaces methionine with lysine at codon 39 of the RIT1 protein (p.Met39Lys). The methionine residue is highly conserved and there is a moderate physicochemical difference between methionine and lysine. This variant is not present in population databases (ExAC no frequency). This variant has not been reported in the literature in individuals with RIT1-related conditions. Algorithms developed to predict the effect of missense changes on protein structure and function (SIFT, PolyPhen-2, Align-GVGD) all suggest that this variant is likely to be disruptive, but these predictions have not been confirmed by published functional studies and their clinical significance is uncertain. In summary, the available evidence is currently insufficient to determine the role of this variant in disease. Therefore, it has been classified as a Variant of Uncertain Significance.

NM_006912.6(RIT1):c.116T>A (p.Met39Lys)

Gene: RIT1 (Ras like without CAAX 1; minus strand). Cytogenetic location: 1q22.
Variant type: single nucleotide variant.
Coding change: c.116T>A on transcript NM_006912.6 (MANE Select); coding-DNA position 116, T replaced by A.
Protein change: p.Met39Lys; replaces methionine 39 with lysine.
Molecular consequence: missense variant.
Genome position (GRCh38, 1-based): chr1:155,910,497, A>T on the plus strand (T>A on the coding strand, the complement: RIT1 is on the minus strand). VCF-style: chr1-155910497-A-T. GRCh37 (hg19) VCF-style: chr1-155880288-A-T.
Other names: c.8T>A, p.Met3Lys (NM_001256820.2); c.167T>A, p.Met56Lys (NM_001256821.2); short protein forms M39K, M3K, M56K.
Identifiers: ClinVar variation 1063825 (VCV001063825.9), dbSNP rs2102590945, ClinGen allele CA342776084.